The following is an entry in ClinVar:

NM_001271.4(CHD2):c.2032dup (p.His678fs)

Gene: CHD2 (chromodomain helicase DNA binding protein 2; plus strand). Cytogenetic location: 15q26.1.
Variant type: Duplication.
Coding change: c.2032dup on transcript NM_001271.4 (MANE Select); coding-DNA position 2032, one base duplicated (C; older notation c.2032dupC).
Protein change: p.His678fs; shifts the reading frame from histidine 678.
Molecular consequence: frameshift variant.
Genome position (GRCh38, 1-based): chr15:92,967,356, C duplicated; the last of 2 consecutive C bases (chr15:92,967,355-92,967,356); duplicating either gives the same sequence. VCF-style (leftmost placement, unchanged base first): chr15-92967354-A-AC. GRCh37 (hg19) VCF-style: chr15-93510584-A-AC.
Other names: short protein forms H678fs.
Identifiers: ClinVar variation 2824327 (VCV002824327.3), dbSNP rs2505515698, ClinGen allele CA2739269749.

ClinVar aggregate classification (germline): Pathogenic (1 of 4 stars; one submission).

Conditions:
Developmental and epileptic encephalopathy 94 (DEE94). Also called: CHD2-Related Neurodevelopmental Disorders; Epileptic encephalopathy, childhood-onset. Identifiers: Orphanet 1942, Orphanet 2382, MedGen C3809278, MONDO:0014150, OMIM 615369.

Submission:

Labcorp Genetics (formerly Invitae), Labcorp
Classification: Pathogenic for Developmental and epileptic encephalopathy 94. Last evaluated: 2022-12-26. Review status: criteria provided, single submitter. Criteria: Invitae Variant Classification Sherloc (09022015). Collection method: clinical testing. Allele origin: germline.
Comment: For these reasons, this variant has been classified as Pathogenic. This variant has not been reported in the literature in individuals affected with CHD2-related conditions. This variant is not present in population databases (gnomAD no frequency). This sequence change creates a premature translational stop signal (p.His678Profs*14) in the CHD2 gene. It is expected to result in an absent or disrupted protein product. Loss-of-function variants in CHD2 are known to be pathogenic (PMID: 23708187, 24207121).

Literature cited by the submitters: PubMed 23708187; PubMed 24207121.